The following is an entry in ClinVar:

ClinVar aggregate classification (germline): Uncertain significance (1 of 4 stars; one submission).

Conditions:
Acromesomelic dysplasia 1, Maroteaux type (AMD1). Also called: ACROMESOMELIC DYSPLASIA 1; ST. HELENA DYSPLASIA. Identifiers: Orphanet 40, MedGen C1864356, MONDO:0011275, OMIM 602875.
Tall stature-scoliosis-macrodactyly of the great toes syndrome. Also called: Epiphyseal chondrodysplasia, miura type. Identifiers: Orphanet 329191, MedGen C4014690, MONDO:0014401, OMIM 615923.

Allele frequency attached by ClinVar (database versions not stated): gnomAD 0.00001; gnomAD exomes 0.00001.
gnomAD v4.1: 18 of 1,613,858 alleles (0.0011%); highest among the groups gnomAD compares: East Asian, 0.0022%; no homozygotes.

Submission:

Labcorp Genetics (formerly Invitae), Labcorp
Classification: Uncertain significance for Tall stature-scoliosis-macrodactyly of the great toes syndrome; Acromesomelic dysplasia 1, Maroteaux type. Last evaluated: 2021-12-22. Review status: criteria provided, single submitter. Criteria: Invitae Variant Classification Sherloc (09022015). Collection method: clinical testing. Allele origin: germline.
Comment: This variant is present in population databases (no rsID available, gnomAD 0.005%). This sequence change replaces methionine, which is neutral and non-polar, with threonine, which is neutral and polar, at codon 469 of the NPR2 protein (p.Met469Thr). This variant has not been reported in the literature in individuals affected with NPR2-related conditions. In summary, the available evidence is currently insufficient to determine the role of this variant in disease. Therefore, it has been classified as a Variant of Uncertain Significance. Algorithms developed to predict the effect of missense changes on protein structure and function are either unavailable or do not agree on the potential impact of this missense change (SIFT: "Deleterious"; PolyPhen-2: "Benign"; Align-GVGD: "Class C65").

NM_003995.4(NPR2):c.1406T>C (p.Met469Thr)

Gene: NPR2 (natriuretic peptide receptor 2; plus strand). Cytogenetic location: 9p13.3.
Variant type: single nucleotide variant.
Coding change: c.1406T>C on transcript NM_003995.4 (MANE Select); coding-DNA position 1406, T replaced by C.
Protein change: p.Met469Thr; replaces methionine 469 with threonine.
Molecular consequence: missense variant.
Genome position (GRCh38, 1-based): chr9:35,801,124, T>C. VCF-style: chr9-35801124-T-C. GRCh37 (hg19) VCF-style: chr9-35801121-T-C.
Other names: c.1406T>C, p.Met469Thr (NM_001378923.1); short protein forms M469T.
Identifiers: ClinVar variation 2139457 (VCV002139457.4), dbSNP rs1293948745, ClinGen allele CA373371608.